The following is an entry in ClinVar:

ClinVar aggregate classification (germline): Uncertain significance (1 of 4 stars; one submission).

Conditions:
Hereditary cancer-predisposing syndrome. Also called: Tumor predisposition; Hereditary neoplastic syndrome; Neoplastic Syndromes, Hereditary; Hereditary Cancer Syndrome. Identifiers: Orphanet 140162, MedGen C0027672, MeSH D009386, MONDO:0015356.

Submission:

Ambry Genetics
Classification: Uncertain significance for Hereditary cancer-predisposing syndrome. Last evaluated: 2019-04-12. Review status: criteria provided, single submitter. Criteria: Ambry Variant Classification Scheme 2023. Collection method: clinical testing. Allele origin: germline.
Comment: The p.Q473H variant (also known as c.1419G>C), located in coding exon 11 of the APC gene, results from a G to C substitution at nucleotide position 1419. The glutamine at codon 473 is replaced by histidine, an amino acid with highly similar properties. This amino acid position is highly conserved in available vertebrate species. In addition, in silico predictors for this gene do not accurately predict pathogenicity. Since supporting evidence is limited at this time, the clinical significance of this alteration remains unclear.

NM_000038.6(APC):c.1419G>C (p.Gln473His)

Gene: APC (APC regulator of Wnt signaling pathway; plus strand). Cytogenetic location: 5q22.2.
Variant type: single nucleotide variant.
Coding change: c.1419G>C on transcript NM_000038.6 (MANE Select); coding-DNA position 1419, G replaced by C.
Protein change: p.Gln473His; replaces glutamine 473 with histidine.
Molecular consequence: missense variant.
Genome position (GRCh38, 1-based): chr5:112,827,118, G>C. VCF-style: chr5-112827118-G-C. GRCh37 (hg19) VCF-style: chr5-112162815-G-C.
Other names: c.1419G>C, p.Gln473His (NM_001127510.3, NM_001354895.2); c.1365G>C, p.Gln455His (NM_001127511.3); c.1473G>C, p.Gln491His (NM_001354896.2); c.1449G>C, p.Gln483His (NM_001354897.2); c.1344G>C, p.Gln448His (NM_001354898.2); c.1335G>C, p.Gln445His (NM_001354899.2); c.1296G>C, p.Gln432His (NM_001354900.2); c.1242G>C, p.Gln414His (NM_001354901.2); and 5 more; short protein forms Q483H, Q491H, Q372H, Q414H, Q448H, Q455H, Q473H, Q190H.
Identifiers: ClinVar variation 819150 (VCV000819150.4), dbSNP rs141579422, ClinGen allele CA16024412.